The following is an entry in ClinVar:

ClinVar aggregate classification (germline): Pathogenic (1 of 4 stars; one submission).

Conditions:
Familial cancer of breast. Also called: hereditary breast carcinoma; Hereditary breast cancer; BREAST CANCER, FAMILIAL. Identifiers: Orphanet 227535, MedGen C0346153, MONDO:0016419, OMIM 114480. Disease mechanism: loss of function.

Submission:

Myriad Genetics, Inc.
Classification: Pathogenic for Familial cancer of breast. Last evaluated: 2024-09-05. Review status: criteria provided, single submitter. Criteria: Myriad Autosomal Dominant, Autosomal Recessive and X-Linked Classification Criteria (2023). Collection method: clinical testing. Allele origin: unknown.
Comment: This variant is considered pathogenic. This variant creates a frameshift predicted to result in premature protein truncation.

NM_024675.4(PALB2):c.442_457del (p.Lys148fs)

Gene: PALB2 (partner and localizer of BRCA2; minus strand). Cytogenetic location: 16p12.2.
Variant type: Deletion.
Coding change: c.442_457del on transcript NM_024675.4 (MANE Select); coding-DNA positions 442 to 457, 16 bases deleted (AAGAAGCAGCAGAAGA).
Protein change: p.Lys148fs; shifts the reading frame from lysine 148.
Molecular consequence: frameshift variant. On other transcripts: 5 prime UTR variant (8), intron variant (3).
Genome position (GRCh38, 1-based): chr16:23,636,089-23,636,104, TCTTCTGCTGCTTCTT deleted on the plus strand (AAGAAGCAGCAGAAGA on the coding strand, the reverse complement: PALB2 is on the minus strand); deleting any 16 consecutive bases within chr16:23,636,089-23,636,113 gives the same sequence; the c. name uses the placement nearest the transcript's 3' end. VCF-style (leftmost placement, unchanged base first): chr16-23636088-CTCTTCTGCTGCTTCTT-C. GRCh37 (hg19) VCF-style: chr16-23647409-CTCTTCTGCTGCTTCTT-C.
Other names: c.442_457del, p.Lys148fs (NM_001407297.1, NM_001407298.1, NM_001407299.1 and 3 more transcripts); c.-444_-429del (NM_001407304.1, NM_001407305.1, NM_001407306.1 and 5 more transcripts); c.48+5006_48+5021del (NM_001407314.1); c.-105+5006_-105+5021del (NM_001407313.1, NM_001407312.1); c.382_397del, p.Lys128fs (NM_001407296.1); short protein forms K128fs, K148fs.
Identifiers: ClinVar variation 3379149 (VCV003379149.1).